The following is an entry in ClinVar:

ClinVar aggregate classification (germline): Uncertain significance. Review status: criteria provided, multiple submitters, no conflicts (2 of 4 stars). 3 submissions from 3 submitters: Uncertain significance (3). Last evaluated 2025-12-19.

Conditions:
Hereditary cancer-predisposing syndrome. Also called: Hereditary neoplastic syndrome; Tumor predisposition; Neoplastic Syndromes, Hereditary; Hereditary Cancer Syndrome. Identifiers: Orphanet 140162, MedGen C0027672, MeSH D009386, MONDO:0015356.
Tuberous sclerosis syndrome (TSC). Also called: Tuberous Sclerosis Complex; Tuberous sclerosis. Identifiers: Orphanet 805, MedGen C0041341, MONDO:0001734.
Tuberous sclerosis 2 (TSC2). Identifiers: Orphanet 805, MedGen C1860707, MONDO:0013199, OMIM 613254.

gnomAD v4.1: 1 of 1,612,658 alleles (0.000062%); highest among the groups gnomAD compares: Non-Finnish European, 0.000085%; no homozygotes.

Submissions (3):

Labcorp Genetics (formerly Invitae), Labcorp
Classification: Uncertain significance for Tuberous sclerosis 2. Last evaluated: 2025-12-19. Review status: criteria provided, single submitter. Criteria: Invitae Variant Classification Sherloc (09022015). Collection method: clinical testing. Allele origin: germline.
Comment: This sequence change replaces tyrosine, which is neutral and polar, with cysteine, which is neutral and slightly polar, at codon 1569 of the TSC2 protein (p.Tyr1569Cys). This variant is not present in population databases (gnomAD no frequency). This variant has not been reported in the literature in individuals affected with TSC2-related conditions. ClinVar contains an entry for this variant (Variation ID: 956326). Invitae Evidence Modeling of protein sequence and biophysical properties (such as structural, functional, and spatial information, amino acid conservation, physicochemical variation, residue mobility, and thermodynamic stability) indicates that this missense variant is not expected to disrupt TSC2 protein function with a negative predictive value of 95%. In summary, the available evidence is currently insufficient to determine the role of this variant in disease. Therefore, it has been classified as a Variant of Uncertain Significance.

Ambry Genetics
Classification: Uncertain significance for Hereditary cancer-predisposing syndrome. Last evaluated: 2024-06-29. Review status: criteria provided, single submitter. Criteria: Ambry Variant Classification Scheme 2023. Collection method: clinical testing. Allele origin: germline.
Comment: The p.Y1569C variant (also known as c.4706A>G), located in coding exon 36 of the TSC2 gene, results from an A to G substitution at nucleotide position 4706. The tyrosine at codon 1569 is replaced by cysteine, an amino acid with highly dissimilar properties. This amino acid position is conserved. In addition, this alteration is predicted to be deleterious by in silico analysis. Based on the available evidence, the clinical significance of this variant remains unclear.

All of Us Research Program, National Institutes of Health
Classification: Uncertain significance for Tuberous sclerosis syndrome. Last evaluated: 2023-10-06. Review status: criteria provided, single submitter. Criteria: ACMG Guidelines, 2015. Collection method: clinical testing. Allele origin: germline. Inheritance: Autosomal dominant inheritance. Observed: 1 variant allele, 1 heterozygote.
Comment: This missense variant replaces tyrosine with cysteine at codon 1569 of the TSC2 protein. Computational prediction suggests that this variant may have deleterious impact on protein structure and function (internally defined REVEL score threshold >= 0.7, PMID: 27666373). To our knowledge, functional studies have not been reported for this variant. This variant has not been reported in individuals affected with TSC2-related disorders in the literature. This variant has not been identified in the general population by the Genome Aggregation Database (gnomAD). The available evidence is insufficient to determine the role of this variant in disease conclusively. Therefore, this variant is classified as a Variant of Uncertain Significance.

This study involves interpretation of variants in research participants for the purpose of population health screening. Participant phenotype was not available at the time of variant classification. Additional details can be found in publication PMID: 35346344, PMCID: PMC8962531

NM_000548.5(TSC2):c.4706A>G (p.Tyr1569Cys)

Gene: TSC2 (TSC complex subunit 2; plus strand). Cytogenetic location: 16p13.3.
Variant type: single nucleotide variant.
Coding change: c.4706A>G on transcript NM_000548.5 (MANE Select); coding-DNA position 4706, A replaced by G.
Protein change: p.Tyr1569Cys; replaces tyrosine 1569 with cysteine.
Molecular consequence: missense variant.
Genome position (GRCh38, 1-based): chr16:2,086,236, A>G. VCF-style: chr16-2086236-A-G. GRCh37 (hg19) VCF-style: chr16-2136237-A-G.
Other names: c.4505A>G, p.Tyr1502Cys (NM_001077183.3); c.4637A>G, p.Tyr1546Cys (NM_001114382.3); c.4397A>G, p.Tyr1466Cys (NM_001318827.2); c.4361A>G, p.Tyr1454Cys (NM_001318829.2); c.3974A>G, p.Tyr1325Cys (NM_001318831.2); c.4538A>G, p.Tyr1513Cys (NM_001318832.2); c.4508A>G, p.Tyr1503Cys (NM_001363528.2); c.4574A>G, p.Tyr1525Cys (NM_001370404.1); and 1 more; short protein forms Y1466C, Y1513C, Y1525C, Y1325C, Y1454C, Y1526C, Y1503C, Y1569C.
Identifiers: ClinVar variation 956326 (VCV000956326.11), dbSNP rs2090771064, ClinGen allele CA394307327.